The following is an entry in ClinVar:

NM_000368.5(TSC1):c.2677A>C (p.Ser893Arg)

Gene: TSC1 (TSC complex subunit 1; minus strand). Cytogenetic location: 9q34.13.
Variant type: single nucleotide variant.
Coding change: c.2677A>C on transcript NM_000368.5 (MANE Select); coding-DNA position 2677, A replaced by C.
Protein change: p.Ser893Arg; replaces serine 893 with arginine.
Molecular consequence: missense variant.
Genome position (GRCh38, 1-based): chr9:132,897,559, T>G on the plus strand (A>C on the coding strand, the complement: TSC1 is on the minus strand). VCF-style: chr9-132897559-T-G. GRCh37 (hg19) VCF-style: chr9-135772946-T-G.
Other names: c.2674A>C, p.Ser892Arg (NM_001162426.2); c.2524A>C, p.Ser842Arg (NM_001162427.2); c.2314A>C, p.Ser772Arg (NM_001362177.2); short protein forms S893R, S772R, S842R, S892R.
Identifiers: ClinVar variation 568140 (VCV000568140.15), dbSNP rs1396314595, ClinGen allele CA375369518.

ClinVar aggregate classification (germline): Conflicting classifications of pathogenicity. Review status: criteria provided, conflicting classifications (1 of 4 stars). 4 submissions from 4 submitters: Uncertain significance (2); Benign (2). Last evaluated 2026-01-20.

Conditions:
Hereditary cancer-predisposing syndrome. Also called: Neoplastic Syndromes, Hereditary; Tumor predisposition; Hereditary Cancer Syndrome; Hereditary neoplastic syndrome. Identifiers: Orphanet 140162, MedGen C0027672, MeSH D009386, MONDO:0015356.
Tuberous sclerosis 1 (TSC1). Identifiers: Orphanet 805, MedGen C1854465, MONDO:0008612, OMIM 191100.
Isolated focal cortical dysplasia type II (FCORD2). Also called: CORTICAL DYSPLASIA OF TAYLOR; Focal cortical dysplasia type II. Identifiers: Orphanet 268994, MedGen C1846385, MONDO:0011818, OMIM 607341, HP:0032051.
Lymphangiomyomatosis (LAM). Also called: Lymphangioleiomyomatosis, somatic; Lymphangioleiomyomatosis. Identifiers: Orphanet 538, MedGen C0751674, MONDO:0011705, OMIM 606690.
Tuberous sclerosis syndrome (TSC). Also called: Tuberous Sclerosis Complex; Tuberous sclerosis. Identifiers: Orphanet 805, MedGen C0041341, MONDO:0001734.

Allele frequency attached by ClinVar (database versions not stated): gnomAD exomes below 0.00001; TOPMed 0.00001; gnomAD 0.00003.
gnomAD v4.1: 6 of 1,607,342 alleles (0.00037%); highest among the groups gnomAD compares: African/African-American, 0.0081%; no homozygotes.

Submissions (4):

Labcorp Genetics (formerly Invitae), Labcorp
Classification: Benign for Tuberous sclerosis 1. Last evaluated: 2026-01-20. Review status: criteria provided, single submitter. Criteria: Invitae Variant Classification Sherloc (09022015). Collection method: clinical testing. Allele origin: germline.

Color Diagnostics, LLC DBA Color Health
Classification: Uncertain significance for Tuberous sclerosis syndrome. Last evaluated: 2025-08-15. Review status: criteria provided, single submitter. Criteria: ACMG Guidelines, 2015. Collection method: clinical testing. Allele origin: germline.
Comment: This missense variant replaces serine with arginine at codon 893 of the TSC1 protein. Computational prediction suggests that this variant may not impact protein structure and function. To our knowledge, functional studies have not been reported for this variant. This variant has not been reported in individuals affected with TSC1-related disorders in the literature. This variant has been identified in 1/31022 chromosomes in the general population by the Genome Aggregation Database (gnomAD). The available evidence is insufficient to determine the role of this variant in disease conclusively. Therefore, this variant is classified as a Variant of Uncertain Significance.

Fulgent Genetics
Classification: Uncertain significance for Tuberous sclerosis 1; Lymphangiomyomatosis; Isolated focal cortical dysplasia type II. Last evaluated: 2024-05-17. Review status: criteria provided, single submitter. Criteria: ACMG Guidelines, 2015. Collection method: clinical testing. Allele origin: germline.

Ambry Genetics
Classification: Benign for Hereditary cancer-predisposing syndrome. Last evaluated: 2024-01-19. Review status: criteria provided, single submitter. Criteria: Ambry Variant Classification Scheme 2023. Collection method: clinical testing. Allele origin: germline.